The following is an entry in ClinVar:

NM_001048174.2(MUTYH):c.1496A>T (p.Gln499Leu)

Gene: MUTYH (mutY DNA glycosylase; minus strand). Cytogenetic location: 1p34.1.
Variant type: single nucleotide variant.
Coding change: c.1496A>T on transcript NM_001048174.2 (MANE Select); coding-DNA position 1496, A replaced by T.
Protein change: p.Gln499Leu; replaces glutamine 499 with leucine.
Molecular consequence: missense variant. On other transcripts: non-coding transcript variant (7).
Genome position (GRCh38, 1-based): chr1:45,329,376, T>A on the plus strand (A>T on the coding strand, the complement: MUTYH is on the minus strand). VCF-style: chr1-45329376-T-A. GRCh37 (hg19) VCF-style: chr1-45795048-T-A.
Other names: c.1496A>T, p.Gln499Leu (NM_001048171.2, NM_001048173.2, NM_001407072.1 and 6 more transcripts); c.1499A>T, p.Gln500Leu (NM_001048172.2, NM_001407078.1, NM_001407071.1 and 1 more transcripts); c.1580A>T, p.Gln527Leu (NM_001128425.2); c.1412A>T, p.Gln471Leu (NM_001407075.1); c.1529A>T, p.Gln510Leu (NM_001407077.1, NM_001293191.2, NM_001407069.1); c.1457A>T, p.Gln486Leu (NM_001407079.1); c.1454A>T, p.Gln485Leu (NM_001407080.1); c.1151A>T, p.Gln384Leu (NM_001407082.1, NM_001350650.2, NM_001350651.2); and 5 more; short protein forms Q384L, Q407L, Q506L, Q527L, Q471L, Q486L, Q500L, Q514L.
Identifiers: ClinVar variation 4113392 (VCV004113392.1).
Genomic context (GRCh38, chr1:45,329,376, plus strand): 5'-GCACTGTTGAGGCTGTGTGCATCAGTGGAGATGTGAGACCGAAAGAAATTATCCAGGACT[T>A]GCTGGCCCATGCGGGGCTTTTTCCGACTGCACGGAGAGGACACCTGGGACCTTTTGGAAC-3'
Protein context (NP_001041639.1, residues 489-509): CSRKKPRMGQ[Gln499Leu]VLDNFFRSHI

ClinVar aggregate classification (germline): Uncertain significance (1 of 4 stars; one submission).

Conditions:
Hereditary cancer-predisposing syndrome. Also called: Tumor predisposition; Neoplastic Syndromes, Hereditary; Hereditary neoplastic syndrome; Hereditary Cancer Syndrome. Identifiers: Orphanet 140162, MedGen C0027672, MeSH D009386, MONDO:0015356.

Submission:

Ambry Genetics
Classification: Uncertain significance for Hereditary cancer-predisposing syndrome. Last evaluated: 2025-08-27. Review status: criteria provided, single submitter. Criteria: Ambry Variant Classification Scheme 2023. Collection method: clinical testing. Allele origin: germline.
Comment: The p.Q527L variant (also known as c.1580A>T), located in coding exon 16 of the MUTYH gene, results from an A to T substitution at nucleotide position 1580. The glutamine at codon 527 is replaced by leucine, an amino acid with dissimilar properties. This amino acid position is conserved. In addition, the in silico prediction for this alteration is inconclusive. Based on the available evidence, the clinical significance of this variant remains unclear.